The following is an entry in ClinVar:

ClinVar aggregate classification (germline): Uncertain significance (1 of 4 stars; one submission).

gnomAD v4.1: 2 of 1,611,278 alleles (0.00012%); highest among the groups gnomAD compares: Non-Finnish European, 0.000085%; no homozygotes.

Submission:

Labcorp Genetics (formerly Invitae), Labcorp
Classification: Uncertain significance. Last evaluated: 2025-09-04. Review status: criteria provided, single submitter. Criteria: Invitae Variant Classification Sherloc (09022015). Collection method: clinical testing. Allele origin: germline.
Comment: This sequence change replaces serine, which is neutral and polar, with threonine, which is neutral and polar, at codon 1058 of the COL11A1 protein (p.Ser1058Thr). This variant is not present in population databases (gnomAD no frequency). This variant has not been reported in the literature in individuals affected with COL11A1-related conditions. Invitae Evidence Modeling of protein sequence and biophysical properties (such as structural, functional, and spatial information, amino acid conservation, physicochemical variation, residue mobility, and thermodynamic stability) indicates that this missense variant is not expected to disrupt COL11A1 protein function with a negative predictive value of 80%. In summary, the available evidence is currently insufficient to determine the role of this variant in disease. Therefore, it has been classified as a Variant of Uncertain Significance.

NM_001854.4(COL11A1):c.3172T>A (p.Ser1058Thr)

Gene: COL11A1 (collagen type XI alpha 1 chain; minus strand). Cytogenetic location: 1p21.1.
Variant type: single nucleotide variant.
Coding change: c.3172T>A on transcript NM_001854.4 (MANE Select); coding-DNA position 3172, T replaced by A.
Protein change: p.Ser1058Thr; replaces serine 1058 with threonine.
Molecular consequence: missense variant. On other transcripts: non-coding transcript variant (1).
Genome position (GRCh38, 1-based): chr1:102,946,953, A>T on the plus strand (T>A on the coding strand, the complement: COL11A1 is on the minus strand). VCF-style: chr1-102946953-A-T. GRCh37 (hg19) VCF-style: chr1-103412509-A-T.
Other names: c.3055T>A, p.Ser1019Thr (NM_001190709.2); c.3208T>A, p.Ser1070Thr (NM_080629.3); c.2824T>A, p.Ser942Thr (NM_080630.4); short protein forms S1019T, S1058T, S1070T, S942T.
Identifiers: ClinVar variation 4745945 (VCV004745945.1).